The following is an entry in ClinVar:

NM_006005.3(WFS1):c.2385_2390delinsCGACGT (p.Glu795_Asp797delinsAspAspVal)

Gene: WFS1 (wolframin ER transmembrane glycoprotein; plus strand). Cytogenetic location: 4p16.1.
Variant type: Indel.
Coding change: c.2385_2390delinsCGACGT on transcript NM_006005.3 (MANE Select); coding-DNA positions 2385 to 2390, GGACGA replaced by CGACGT.
Protein change: p.Glu795_Asp797delinsAspAspVal.
Molecular consequence: missense variant.
Genome position (GRCh38, 1-based): chr4:6,302,180-6,302,185, GGACGA replaced by CGACGT. VCF-style: chr4-6302180-GGACGA-CGACGT. GRCh37 (hg19) VCF-style: chr4-6303907-GGACGA-CGACGT.
Other names: c.2385_2390delinsCGACGT, p.Glu795_Asp797delinsAspAspVal (NM_001145853.1).
Identifiers: ClinVar variation 1212620 (VCV001212620.4), dbSNP rs2109127534, ClinGen allele CA2499217326.

ClinVar aggregate classification (germline): Likely pathogenic (1 of 4 stars; one submission).

Submission:

GeneDx
Classification: Likely pathogenic. Last evaluated: 2024-01-05. Review status: criteria provided, single submitter. Criteria: GeneDx Variant Classification Process June 2021. Collection method: clinical testing. Allele origin: germline. Affected: yes.
Comment: Identified in a patient with juvenile-onset diabetes in published literature; it is unclear if other features of Wolfram syndrome were present (PMID: 21602428); Not observed at significant frequency in large population cohorts (gnomAD); In silico analysis supports a deleterious effect on protein structure/function; This variant is associated with the following publications: (PMID: 21602428)